The following is an entry in ClinVar:

NC_000009.11:g.(?_214977)_(377231_?)dup

Genes: DOCK8 (dedicator of cytokinesis 8; plus strand), DOCK8-AS1 (DOCK8 antisense RNA 1; minus strand). Cytogenetic location: 9p24.3.
Variant type: Duplication.
Identifiers: ClinVar variation 3245213 (VCV003245213.1).

ClinVar aggregate classification (germline): Uncertain significance (1 of 4 stars; one submission).

Submission:

Labcorp Genetics (formerly Invitae), Labcorp
Classification: Uncertain significance. Last evaluated: 2023-07-30. Review status: criteria provided, single submitter. Criteria: Invitae Variant Classification Sherloc (09022015). Collection method: clinical testing. Allele origin: unknown.
Comment: In summary, the available evidence is currently insufficient to determine the role of this variant in disease. Therefore, it has been classified as a Variant of Uncertain Significance. Experimental studies and prediction algorithms are not available or were not evaluated, and the functional significance of this variant is currently unknown. This variant has not been reported in the literature in individuals affected with DOCK8-related conditions. This variant results in a copy number gain of the genomic region encompassing exon(s) 1-20 of the DOCK8 gene. This region includes the initiator codon of the gene. This copy number gain extends beyond the assayed region for this gene and therefore may encompass additional genes. As the precise location of this event is unknown, it may be in tandem or it may be located elsewhere in the genome.